The following is an entry in ClinVar:

ClinVar aggregate classification (germline): Benign/Likely benign. Review status: criteria provided, multiple submitters, no conflicts (2 of 4 stars). 4 submissions from 4 submitters: Benign (1); Likely benign (3). Last evaluated 2026-05-14.

Conditions:
Hereditary cancer-predisposing syndrome. Also called: Tumor predisposition; Hereditary neoplastic syndrome; Neoplastic Syndromes, Hereditary; Hereditary Cancer Syndrome. Identifiers: Orphanet 140162, MedGen C0027672, MeSH D009386, MONDO:0015356.
Neurofibromatosis, type 1 (NF1). Also called: Neurofibromatosis, type I; NEUROFIBROMATOSIS, TYPE I, SOMATIC; VON RECKLINGHAUSEN DISEASE; Peripheral type neurofibromatosis. Identifiers: Orphanet 636, MedGen C0027831, MONDO:0018975, OMIM 162200. Disease mechanism: loss of function.

Allele frequency attached by ClinVar (database versions not stated): gnomAD exomes below 0.00001; TOPMed below 0.00001.
gnomAD v4.1: 4 of 1,595,776 alleles (0.00025%); highest among the groups gnomAD compares: Non-Finnish European, 0.00034%; no homozygotes.

Submissions (4):

Myriad Genetics, Inc.
Classification: Benign for Neurofibromatosis, type 1. Last evaluated: 2026-05-14. Review status: criteria provided, single submitter. Criteria: Myriad Autosomal Dominant, Autosomal Recessive and X-Linked Classification Criteria (2023). Collection method: clinical testing. Allele origin: unknown.
Comment: This variant is considered benign. This variant is a silent/synonymous amino acid change and it is not expected to impact splicing.

Labcorp Genetics (formerly Invitae), Labcorp
Classification: Likely benign for Neurofibromatosis, type 1. Last evaluated: 2026-01-09. Review status: criteria provided, single submitter. Criteria: Invitae Variant Classification Sherloc (09022015). Collection method: clinical testing. Allele origin: germline.

Genome-Nilou Lab
Classification: Likely benign for Neurofibromatosis, type 1. Last evaluated: 2022-03-15. Review status: criteria provided, single submitter. Criteria: ACMG Guidelines, 2015. Collection method: clinical testing. Allele origin: germline. Affected: no.

Ambry Genetics
Classification: Likely benign for Hereditary cancer-predisposing syndrome. Last evaluated: 2015-11-30. Review status: criteria provided, single submitter. Criteria: Ambry Autosomal Dominant and X-Linked criteria (10/2015). Collection method: clinical testing. Allele origin: germline. Observed: 1 variant allele.

NM_001042492.3(NF1):c.582G>A (p.Leu194=)

Gene: NF1 (neurofibromin 1; plus strand). Cytogenetic location: 17q11.2.
Variant type: single nucleotide variant.
Coding change: c.582G>A on transcript NM_001042492.3 (MANE Select); coding-DNA position 582, G replaced by A.
Protein change: p.Leu194=; no amino-acid change (leucine 194 retained).
Molecular consequence: synonymous variant.
Genome position (GRCh38, 1-based): chr17:31,169,993, G>A. VCF-style: chr17-31169993-G-A. GRCh37 (hg19) VCF-style: chr17-29497011-G-A.
Other names: c.582G>A, p.Leu194= (NM_000267.4, NM_001128147.3).
Identifiers: ClinVar variation 184989 (VCV000184989.14), dbSNP rs786201846, ClinGen allele CA190696.